The following is an entry in ClinVar:

NM_015046.7(SETX):c.5245C>T (p.Pro1749Ser)

Gene: SETX (senataxin; minus strand). Cytogenetic location: 9q34.13.
Variant type: single nucleotide variant.
Coding change: c.5245C>T on transcript NM_015046.7 (MANE Select); coding-DNA position 5245, C replaced by T.
Protein change: p.Pro1749Ser; replaces proline 1749 with serine.
Molecular consequence: missense variant.
Genome position (GRCh38, 1-based): chr9:132,326,353, G>A on the plus strand (C>T on the coding strand, the complement: SETX is on the minus strand). VCF-style: chr9-132326353-G-A. GRCh37 (hg19) VCF-style: chr9-135201740-G-A.
Other names: c.5245C>T, p.Pro1749Ser (NM_001351527.2, NM_001351528.2); short protein forms P1749S.
Identifiers: ClinVar variation 1746316 (VCV001746316.2), dbSNP rs1478463507, ClinGen allele CA375321492.

ClinVar aggregate classification (germline): Uncertain significance (1 of 4 stars; one submission).

Conditions:
Inborn genetic diseases. Identifiers: MedGen C0950123, MeSH D030342.

Allele frequency attached by ClinVar (database versions not stated): gnomAD exomes below 0.00001; TOPMed below 0.00001; gnomAD 0.00001.
gnomAD v4.1: 7 of 1,612,534 alleles (0.00043%); highest among the groups gnomAD compares: Non-Finnish European, 0.00059%; no homozygotes.

Submission:

Ambry Genetics
Classification: Uncertain significance for Inborn genetic diseases. Last evaluated: 2021-06-12. Review status: criteria provided, single submitter. Criteria: Ambry Variant Classification Scheme 2023. Collection method: clinical testing. Allele origin: germline.
Comment: The p.P1749S variant (also known as c.5245C>T), located in coding exon 8 of the SETX gene, results from a C to T substitution at nucleotide position 5245. The proline at codon 1749 is replaced by serine, an amino acid with similar properties. This amino acid position is conserved. In addition, the in silico prediction for this alteration is inconclusive. Since supporting evidence is limited at this time, the clinical significance of this alteration remains unclear.